The following is an entry in ClinVar:

NM_001077446.4(TSEN34):c.-9C>T

Gene: TSEN34 (tRNA splicing endonuclease subunit 34; plus strand). Cytogenetic location: 19q13.42.
Variant type: single nucleotide variant.
Coding change: c.-9C>T on transcript NM_001077446.4 (MANE Select); 9 bases upstream of the start codon, C replaced by T.
Molecular consequence: 5 prime UTR variant. On other transcripts: intron variant (4).
Genome position (GRCh38, 1-based): chr19:54,191,356, C>T. VCF-style: chr19-54191356-C-T. GRCh37 (hg19) VCF-style: chr19-54695207-C-T.
Other names: c.-4-5C>T (NM_024075.5, NM_001386740.1, NM_001282333.2 and 1 more transcripts).
Identifiers: ClinVar variation 389849 (VCV000389849.1), dbSNP rs373725676, ClinGen allele CA309372636.

ClinVar aggregate classification (germline): Likely benign (1 of 4 stars; one submission).

Allele frequency attached by ClinVar (database versions not stated): TOPMed 0.00010; ESP Exome Variant Server 0.00018.
gnomAD v4.1: 125 of 1,549,606 alleles (0.0081%); highest among the groups gnomAD compares: South Asian, 0.063%; no homozygotes.

Submission:

GeneDx
Classification: Likely benign. Last evaluated: 2016-10-10. Review status: criteria provided, single submitter. Criteria: GeneDx Variant Classification (06012015). Collection method: clinical testing. Allele origin: germline. Affected: yes.
Comment: This variant is considered likely benign or benign based on one or more of the following criteria: it is a conservative change, it occurs at a poorly conserved position in the protein, it is predicted to be benign by multiple in silico algorithms, and/or has population frequency not consistent with disease.